The following is an entry in ClinVar:

Conditions:
Breast-ovarian cancer, familial, susceptibility to, 1 (BROVCA1). Also called: BRCA1 Hereditary Breast and Ovarian Cancer; OVARIAN CANCER, SUSCEPTIBILITY TO. Identifiers: Orphanet 145, MedGen C2676676, MONDO:0011450, OMIM 604370. Disease mechanism: loss of function.

Submission:

Brotman Baty Institute, University of Washington
No classification provided (evidence only). Condition: Breast-ovarian cancer, familial 1. Review status: no classification provided. Collection method: in vitro. Allele origin: not applicable. Functional consequence: functionally_normal.
ClinVar note: "not provided" was previously submitted as the classification for the variant. However, the classification appeared to be based only on an observation of functional data so it was converted to no classification on 2025-07-30.

NM_007294.4(BRCA1):c.5201T>A (p.Phe1734Tyr)

Gene: BRCA1 (BRCA1 DNA repair associated; minus strand). Cytogenetic location: 17q21.31.
Variant type: single nucleotide variant.
Coding change: c.5201T>A on transcript NM_007294.4 (MANE Select); coding-DNA position 5201, T replaced by A.
Protein change: p.Phe1734Tyr; replaces phenylalanine 1734 with tyrosine.
Molecular consequence: missense variant. On other transcripts: non-coding transcript variant (1).
Genome position (GRCh38, 1-based): chr17:43,057,128, A>T on the plus strand (T>A on the coding strand, the complement: BRCA1 is on the minus strand). VCF-style: chr17-43057128-A-T. GRCh37 (hg19) VCF-style: chr17-41209145-A-T.
Other names: c.4988T>A, p.Phe1663Tyr (NM_001407571.1, NM_001407900.1, NM_001407902.1 and 12 more transcripts); c.5267T>A, p.Phe1756Tyr (NM_001407581.1, NM_001407582.1); c.5264T>A, p.Phe1755Tyr (NM_001407583.1, NM_001407585.1, NM_001407587.1 and 1 more transcripts); c.5198T>A, p.Phe1733Tyr (NM_001407610.1, NM_001407611.1, NM_001407612.1 and 17 more transcripts); c.5195T>A, p.Phe1732Tyr (NM_001407629.1, NM_001407630.1, NM_001407631.1 and 14 more transcripts); c.5141T>A, p.Phe1714Tyr (NM_001407649.1); c.5123T>A, p.Phe1708Tyr (NM_001407652.1, NM_001407653.1, NM_001407654.1 and 1 more transcripts); c.5120T>A, p.Phe1707Tyr (NM_001407656.1, NM_001407657.1, NM_001407658.1); and 72 more; short protein forms F1687Y, F1734Y, F630Y, F1755Y, F1580Y, F1606Y, F1623Y, F1644Y.
Identifiers: ClinVar variation 865154 (VCV000865154.3), dbSNP rs397509237, ClinGen allele CA10591133.